The following is an entry in ClinVar:

ClinVar aggregate classification (germline): Uncertain significance (1 of 4 stars; one submission).

Conditions:
Glycogen storage disease, type II (IOPD). Also called: Glucosidase acid-1,4-alpha deficiency; Pompe Disease; GLYCOGENOSIS, GENERALIZED, CARDIAC FORM; GSD II; POMPE DISEASE, INFANTILE-ONSET; GLYCOGEN STORAGE DISEASE II, INFANTILE-ONSET. Identifiers: Orphanet 365, MedGen C0017921, MONDO:0009290, OMIM 232300.

Allele frequency attached by ClinVar (database versions not stated): gnomAD exomes below 0.00001.

Submission:

Labcorp Genetics (formerly Invitae), Labcorp
Classification: Uncertain significance for Glycogen storage disease, type II. Last evaluated: 2022-11-22. Review status: criteria provided, single submitter. Criteria: Invitae Variant Classification Sherloc (09022015). Collection method: clinical testing. Allele origin: germline.
Comment: ClinVar contains an entry for this variant (Variation ID: 1400408). In summary, the available evidence is currently insufficient to determine the role of this variant in disease. Therefore, it has been classified as a Variant of Uncertain Significance. Advanced modeling of protein sequence and biophysical properties (such as structural, functional, and spatial information, amino acid conservation, physicochemical variation, residue mobility, and thermodynamic stability) performed at Invitae indicates that this missense variant is expected to disrupt GAA protein function. This variant has not been reported in the literature in individuals affected with GAA-related conditions. This variant is present in population databases (no rsID available, gnomAD 0.003%). This sequence change replaces glycine, which is neutral and non-polar, with aspartic acid, which is acidic and polar, at codon 461 of the GAA protein (p.Gly461Asp).

NM_000152.5(GAA):c.1382G>A (p.Gly461Asp)

Gene: GAA (alpha glucosidase; plus strand). Cytogenetic location: 17q25.3.
Variant type: single nucleotide variant.
Coding change: c.1382G>A on transcript NM_000152.5 (MANE Select); coding-DNA position 1382, G replaced by A.
Protein change: p.Gly461Asp; replaces glycine 461 with aspartic acid.
Molecular consequence: missense variant.
Genome position (GRCh38, 1-based): chr17:80,110,000, G>A. VCF-style: chr17-80110000-G-A. GRCh37 (hg19) VCF-style: chr17-78083799-G-A.
Other names: c.1382G>A, p.Gly461Asp (NM_001079803.3, NM_001079804.3); short protein forms G461D.
Identifiers: ClinVar variation 1400408 (VCV001400408.9), dbSNP rs1277491722, ClinGen allele CA401366468.